The following is an entry in ClinVar:

ClinVar aggregate classification (germline): Conflicting classifications of pathogenicity. Review status: criteria provided, conflicting classifications (1 of 4 stars). 3 submissions from 3 submitters: Uncertain significance (2); Likely benign (1). Last evaluated 2025-08-05.

Conditions:
Cardiovascular phenotype. Identifiers: MedGen CN230736.
Brugada syndrome. Also called: Sudden unexpected nocturnal death syndrome; Sudden Unexplained Death Syndrome; Sudden Unexplained Nocturnal Death Syndrome (SUNDS); Sudden unexplained nocturnal death syndrome. Identifiers: Orphanet 130, MedGen C1142166, MONDO:0015263.

Allele frequency attached by ClinVar (database versions not stated): gnomAD 0.00001; gnomAD exomes 0.00001 and 0.00002; ExAC 0.00002; TOPMed 0.00002.
gnomAD v4.1: 14 of 1,613,940 alleles (0.00087%); highest among the groups gnomAD compares: East Asian, 0.0045%; no homozygotes.

Submissions (3):

Labcorp Genetics (formerly Invitae), Labcorp
Classification: Uncertain significance for Brugada syndrome. Last evaluated: 2025-08-05. Review status: criteria provided, single submitter. Criteria: Invitae Variant Classification Sherloc (09022015). Collection method: clinical testing. Allele origin: germline.
Comment: This sequence change replaces valine, which is neutral and non-polar, with isoleucine, which is neutral and non-polar, at codon 737 of the SCN10A protein (p.Val737Ile). This variant is present in population databases (rs764654464, gnomAD 0.02%). This variant has not been reported in the literature in individuals affected with SCN10A-related conditions. ClinVar contains an entry for this variant (Variation ID: 934367). Invitae Evidence Modeling of protein sequence and biophysical properties (such as structural, functional, and spatial information, amino acid conservation, physicochemical variation, residue mobility, and thermodynamic stability) indicates that this missense variant is expected to disrupt SCN10A protein function with a positive predictive value of 80%. In summary, the available evidence is currently insufficient to determine the role of this variant in disease. Therefore, it has been classified as a Variant of Uncertain Significance.

GeneDx
Classification: Uncertain significance. Last evaluated: 2023-02-07. Review status: criteria provided, single submitter. Criteria: GeneDx Variant Classification Process June 2021. Collection method: clinical testing. Allele origin: germline. Affected: yes.
Comment: Not observed at significant frequency in large population cohorts (gnomAD); In silico analysis supports that this missense variant does not alter protein structure/function; Has not been previously published as pathogenic or benign to our knowledge

Ambry Genetics
Classification: Likely benign for Cardiovascular phenotype. Last evaluated: 2021-07-27. Review status: criteria provided, single submitter. Criteria: Ambry Variant Classification Scheme 2023. Collection method: clinical testing. Allele origin: germline.

NM_006514.4(SCN10A):c.2209G>A (p.Val737Ile)

Gene: SCN10A (sodium voltage-gated channel alpha subunit 10; minus strand). Cytogenetic location: 3p22.2.
Variant type: single nucleotide variant.
Coding change: c.2209G>A on transcript NM_006514.4 (MANE Select); coding-DNA position 2209, G replaced by A.
Protein change: p.Val737Ile; replaces valine 737 with isoleucine.
Molecular consequence: missense variant.
Genome position (GRCh38, 1-based): chr3:38,739,586, C>T on the plus strand (G>A on the coding strand, the complement: SCN10A is on the minus strand). VCF-style: chr3-38739586-C-T. GRCh37 (hg19) VCF-style: chr3-38781077-C-T.
Other names: c.2209G>A, p.Val737Ile (NM_001293306.2); c.1915G>A, p.Val639Ile (NM_001293307.2); short protein forms V639I, V737I.
Identifiers: ClinVar variation 934367 (VCV000934367.7), dbSNP rs764654464, ClinGen allele CA2320610.